The following is an entry in ClinVar:

NM_000059.4(BRCA2):c.10218A>C (p.Lys3406Asn)

Gene: BRCA2 (BRCA2 DNA repair associated; plus strand). Cytogenetic location: 13q13.1.
Variant type: single nucleotide variant.
Coding change: c.10218A>C on transcript NM_000059.4 (MANE Select); coding-DNA position 10218, A replaced by C.
Protein change: p.Lys3406Asn; replaces lysine 3406 with asparagine.
Molecular consequence: missense variant.
Genome position (GRCh38, 1-based): chr13:32,398,731, A>C. VCF-style: chr13-32398731-A-C. GRCh37 (hg19) VCF-style: chr13-32972868-A-C.
Other names: short protein forms K3406N.
Identifiers: ClinVar variation 1011473 (VCV001011473.12), dbSNP rs2073057278, ClinGen allele CA387768510.
Genomic context (GRCh38, chr13:32,398,731, plus strand): 5'-TACTACATCTCTGATCAAAGAACAGGAGAGTTCCCAGGCCAGTACGGAAGAATGTGAGAA[A>C]AATAAGCAGGACACAATTACAACTAAAAAATATATCTAAGCATTTGCAAAGGCGACAATA-3'
Protein context (NP_000050.3, residues 3396-3416): SSQASTEECE[Lys3406Asn]NKQDTITTKK

ClinVar aggregate classification (germline): Uncertain significance (1 of 4 stars; one submission).

Conditions:
Hereditary breast ovarian cancer syndrome. Also called: Hereditary breast and ovarian cancer syndrome (HBOC); Hereditary breast and/or ovarian cancer syndrome; BRCA1- and BRCA2-Associated Hereditary Breast and Ovarian Cancer; Hereditary breast and ovarian cancer syndrome; Hereditary breast and ovarian cancer; Breast and ovarian cancer. Identifiers: Orphanet 145, MedGen C0677776, MeSH D061325, MONDO:0003582. Disease mechanism: loss of function.

Submission:

Labcorp Genetics (formerly Invitae), Labcorp
Classification: Uncertain significance for Hereditary breast ovarian cancer syndrome. Last evaluated: 2022-06-03. Review status: criteria provided, single submitter. Criteria: Invitae Variant Classification Sherloc (09022015). Collection method: clinical testing. Allele origin: germline.
Comment: In summary, the available evidence is currently insufficient to determine the role of this variant in disease. Therefore, it has been classified as a Variant of Uncertain Significance. Advanced modeling of protein sequence and biophysical properties (such as structural, functional, and spatial information, amino acid conservation, physicochemical variation, residue mobility, and thermodynamic stability) performed at Invitae indicates that this missense variant is not expected to disrupt BRCA2 protein function. ClinVar contains an entry for this variant (Variation ID: 1011473). This variant has not been reported in the literature in individuals affected with BRCA2-related conditions. This variant is not present in population databases (gnomAD no frequency). This sequence change replaces lysine, which is basic and polar, with asparagine, which is neutral and polar, at codon 3406 of the BRCA2 protein (p.Lys3406Asn).